The following is an entry in ClinVar:

NM_001613.4(ACTA2):c.924C>A (p.Tyr308Ter)

Genes: ACTA2 (actin alpha 2, smooth muscle; minus strand), ACTA2-AS1 (ACTA2 antisense RNA 1; plus strand). Cytogenetic location: 10q23.31.
Variant type: single nucleotide variant.
Coding change: c.924C>A on transcript NM_001613.4 (MANE Select); coding-DNA position 924, C replaced by A.
Protein change: p.Tyr308Ter; replaces tyrosine 308 with a stop codon.
Molecular consequence: nonsense.
Genome position (GRCh38, 1-based): chr10:88,938,127, G>T on the plus strand (C>A on the coding strand, the complement: ACTA2 is on the minus strand). VCF-style: chr10-88938127-G-T. GRCh37 (hg19) VCF-style: chr10-90697884-G-T.
Other names: c.924C>A, p.Tyr308Ter (NM_001141945.3, NM_001320855.2, NM_001406462.1 and 2 more transcripts); c.813C>A, p.Tyr271Ter (NM_001406466.1); c.795C>A, p.Tyr265Ter (NM_001406467.1, NM_001406468.1, NM_001406469.1); c.732C>A, p.Tyr244Ter (NM_001406471.1); short protein forms Y244*, Y265*, Y308*, Y271*.
Identifiers: ClinVar variation 4733301 (VCV004733301.1).

ClinVar aggregate classification (germline): Uncertain significance (1 of 4 stars; one submission).

Conditions:
Aortic aneurysm, familial thoracic 6 (AAT6). Also called: FAMILIAL THORACIC AORTIC ANEURYSM WITH LIVEDO RETICULARIS AND IRIS FLOCCULI. Identifiers: MedGen C2673186, MONDO:0012730, OMIM 611788.

Submission:

Labcorp Genetics (formerly Invitae), Labcorp
Classification: Uncertain significance for Aortic aneurysm, familial thoracic 6. Last evaluated: 2025-12-15. Review status: criteria provided, single submitter. Criteria: Invitae Variant Classification Sherloc (09022015). Collection method: clinical testing. Allele origin: germline.
Comment: This sequence change creates a premature translational stop signal (p.Tyr308*) in the ACTA2 gene. It is expected to result in an absent or disrupted protein product. However, the current clinical and genetic evidence is not sufficient to establish whether loss-of-function variants in ACTA2 cause disease. This variant is not present in population databases (gnomAD no frequency). This variant has not been reported in the literature in individuals affected with ACTA2-related conditions. In summary, the available evidence is currently insufficient to determine the role of this variant in disease. Therefore, it has been classified as a Variant of Uncertain Significance.